The following is an entry in ClinVar:

ClinVar aggregate classification (germline): Likely benign (0 of 4 stars; one submission).

Conditions:
MUC16-related disorder. Also called: MUC16-related condition.

Allele frequency attached by ClinVar (database versions not stated): gnomAD exomes 0.00001; TOPMed 0.00001.

Submission:

PreventionGenetics, part of Exact Sciences
Classification: Likely benign for MUC16-related condition. Last evaluated: 2021-02-24. Review status: no assertion criteria provided. Collection method: clinical testing. Allele origin: germline.
Comment: This variant is classified as likely benign based on ACMG/AMP sequence variant interpretation guidelines (Richards et al. 2015 PMID: 25741868, with internal and published modifications).

NM_001401501.2(MUC16):c.11466C>T (p.His3822=)

Gene: MUC16 (mucin 16, cell surface associated; minus strand). Cytogenetic location: 19p13.2.
Variant type: single nucleotide variant.
Coding change: c.11466C>T on transcript NM_001401501.2 (MANE Select); coding-DNA position 11466, C replaced by T.
Protein change: p.His3822=; no amino-acid change (histidine 3822 retained).
Molecular consequence: synonymous variant.
Genome position (GRCh38, 1-based): chr19:8,965,424, G>A on the plus strand (C>T on the coding strand, the complement: MUC16 is on the minus strand). VCF-style: chr19-8965424-G-A. GRCh37 (hg19) VCF-style: chr19-9076100-G-A.
Other names: c.11892C>T, p.His3964= (NM_001414686.1); c.11346C>T, p.His3782= (NM_001414687.1, NM_024690.2).
Identifiers: ClinVar variation 3030833 (VCV003030833.2), dbSNP rs1262089509, ClinGen allele CA505450370.